The following is an entry in ClinVar:

ClinVar aggregate classification (germline): Uncertain significance (1 of 4 stars; one submission).

Conditions:
Generalized epilepsy with febrile seizures plus, type 7 (GEFSP7). Also called: GEFS+, TYPE 7. Identifiers: Orphanet 36387, MedGen C2751778, MONDO:0013470, OMIM 613863.
Neuropathy, hereditary sensory and autonomic, type 2A (HSAN2A). Also called: WNK1-Related HSAN2 (HSAN2A); MORVAN DISEASE; HSAN IIA; ACROOSTEOLYSIS, GIACCAI TYPE; ACROOSTEOLYSIS, NEUROGENIC; NEUROPATHY, CONGENITAL SENSORY. Identifiers: Orphanet 970, MedGen C2752089, MONDO:0024309, OMIM 201300.

Allele frequency attached by ClinVar (database versions not stated): gnomAD exomes below 0.00001; ExAC 0.00001; TOPMed 0.00001.

Submission:

Labcorp Genetics (formerly Invitae), Labcorp
Classification: Uncertain significance for Neuropathy, hereditary sensory and autonomic, type 2A; Generalized epilepsy with febrile seizures plus, type 7. Last evaluated: 2022-08-23. Review status: criteria provided, single submitter. Criteria: Invitae Variant Classification Sherloc (09022015). Collection method: clinical testing. Allele origin: germline.
Comment: In summary, the available evidence is currently insufficient to determine the role of this variant in disease. Therefore, it has been classified as a Variant of Uncertain Significance. Algorithms developed to predict the effect of missense changes on protein structure and function are either unavailable or do not agree on the potential impact of this missense change (SIFT: "Deleterious"; PolyPhen-2: "Probably Damaging"; Align-GVGD: "Class C15"). This variant has not been reported in the literature in individuals affected with SCN9A-related conditions. This variant is present in population databases (rs767879707, gnomAD 0.0009%). This sequence change replaces glutamic acid, which is acidic and polar, with alanine, which is neutral and non-polar, at codon 1671 of the SCN9A protein (p.Glu1671Ala).

NM_001365536.1(SCN9A):c.5045A>C (p.Glu1682Ala)

Genes: SCN9A (sodium voltage-gated channel alpha subunit 9; minus strand), SCN1A-AS1 (SCN1A and SCN9A antisense RNA 1; plus strand). Cytogenetic location: 2q24.3.
Variant type: single nucleotide variant.
Coding change: c.5045A>C on transcript NM_001365536.1 (MANE Select); coding-DNA position 5045, A replaced by C.
Protein change: p.Glu1682Ala; replaces glutamic acid 1682 with alanine.
Molecular consequence: missense variant.
Genome position (GRCh38, 1-based): chr2:166,199,594, T>G on the plus strand (A>C on the coding strand, the complement: SCN9A is on the minus strand). VCF-style: chr2-166199594-T-G. GRCh37 (hg19) VCF-style: chr2-167056104-T-G.
Other names: c.5012A>C, p.Glu1671Ala (NM_002977.4); short protein forms E1682A, E1671A.
Identifiers: ClinVar variation 2183595 (VCV002183595.4), dbSNP rs767879707, ClinGen allele CA1943734.